The following is an entry in ClinVar:

ClinVar aggregate classification (germline): Pathogenic (1 of 4 stars; one submission).

Conditions:
Primary ciliary dyskinesia. Also called: Ciliary dyskinesia. Identifiers: Orphanet 244, MedGen C0008780, MONDO:0016575, HP:0012265.

Submission:

Labcorp Genetics (formerly Invitae), Labcorp
Classification: Pathogenic for Primary ciliary dyskinesia. Last evaluated: 2023-08-04. Review status: criteria provided, single submitter. Criteria: Invitae Variant Classification Sherloc (09022015). Collection method: clinical testing. Allele origin: germline.
Comment: For these reasons, this variant has been classified as Pathogenic. This variant has not been reported in the literature in individuals affected with RPGR-related conditions. This variant is not present in population databases (gnomAD no frequency). This sequence change creates a premature translational stop signal (p.Phe15Valfs*7) in the RPGR gene. It is expected to result in an absent or disrupted protein product. Loss-of-function variants in RPGR are known to be pathogenic (PMID: 16055928, 16969763).

Literature cited by the submitters: PubMed 16055928; PubMed 16969763.

NM_001034853.2(RPGR):c.41dup (p.Phe15fs)

Gene: RPGR (retinitis pigmentosa GTPase regulator; minus strand). Cytogenetic location: Xp11.4.
Variant type: Duplication.
Coding change: c.41dup on transcript NM_001034853.2 (MANE Select); coding-DNA position 41, one base duplicated (T; older notation c.41dupT).
Protein change: p.Phe15fs; shifts the reading frame from phenylalanine 15.
Molecular consequence: frameshift variant. On other transcripts: non-coding transcript variant (6).
Genome position (GRCh38, 1-based): chrX:38,323,512, A duplicated on the plus strand (T on the coding strand, the reverse complement: RPGR is on the minus strand). VCF-style (leftmost placement, unchanged base first): chrX-38323511-C-CA. GRCh37 (hg19) VCF-style: chrX-38182764-C-CA.
Other names: c.41dup, p.Phe15fs (NM_000328.3, NM_001367245.1, NM_001367246.1 and 4 more transcripts); c.71dup, p.Phe25fs (NM_001367248.1); short protein forms F15fs, F25fs.
Identifiers: ClinVar variation 2872085 (VCV002872085.3), dbSNP rs2519912793, ClinGen allele CA2739273429.
Genomic context (GRCh38, chrX:38,323,511, plus strand): 5'-ATTTTTAAACCAGAATTTACCGGGATTATTTTCAGCAAATTTACTTTTCCCAAATGTAAA[C>CA]ACAGCACCCGAATCTGCAAATATAAGACGGTCTTTATTTTATAACTTTTACTATGTTGCC-3'